The following is an entry in ClinVar:

NM_016169.4(SUFU):c.959G>C (p.Ser320Thr)

Gene: SUFU (SUFU negative regulator of hedgehog signaling; plus strand). Cytogenetic location: 10q24.32.
Variant type: single nucleotide variant.
Coding change: c.959G>C on transcript NM_016169.4 (MANE Select); coding-DNA position 959, G replaced by C.
Protein change: p.Ser320Thr; replaces serine 320 with threonine.
Molecular consequence: missense variant.
Genome position (GRCh38, 1-based): chr10:102,599,481, G>C. VCF-style: chr10-102599481-G-C. GRCh37 (hg19) VCF-style: chr10-104359238-G-C.
Other names: c.959G>C, p.Ser320Thr (NM_001178133.2); short protein forms S320T.
Identifiers: ClinVar variation 1506909 (VCV001506909.8), dbSNP rs753862598, ClinGen allele CA377911087.

ClinVar aggregate classification (germline): Uncertain significance (1 of 4 stars; one submission).

Conditions:
Medulloblastoma (MDB). Also called: Medulloblastoma, somatic; MEDULLOBLASTOMA PREDISPOSITION SYNDROME. Identifiers: Orphanet 616, MedGen C0025149, MeSH D008527, MONDO:0007959, OMIM 155255, HP:0002885.
Gorlin syndrome. Also called: Nevoid Basal Cell Carcinoma Syndrome; Basal cell nevus syndrome. Identifiers: Orphanet 377, MedGen C0004779, MONDO:0007187.

Submission:

Labcorp Genetics (formerly Invitae), Labcorp
Classification: Uncertain significance for Gorlin syndrome; Medulloblastoma. Last evaluated: 2021-04-08. Review status: criteria provided, single submitter. Criteria: Invitae Variant Classification Sherloc (09022015). Collection method: clinical testing. Allele origin: germline.
Comment: Algorithms developed to predict the effect of missense changes on protein structure and function (SIFT, PolyPhen-2, Align-GVGD) all suggest that this variant is likely to be tolerated, but these predictions have not been confirmed by published functional studies and their clinical significance is uncertain. This variant has not been reported in the literature in individuals with SUFU-related conditions. This variant is not present in population databases (ExAC no frequency). This sequence change replaces serine with threonine at codon 320 of the SUFU protein (p.Ser320Thr). The serine residue is highly conserved and there is a small physicochemical difference between serine and threonine. In summary, the available evidence is currently insufficient to determine the role of this variant in disease. Therefore, it has been classified as a Variant of Uncertain Significance.